The following is an entry in ClinVar:

ClinVar aggregate classification (germline): Conflicting classifications of pathogenicity. Review status: criteria provided, conflicting classifications (1 of 4 stars). 3 submissions from 3 submitters: Pathogenic (1); Uncertain significance (2). Last evaluated 2022-06-20.

Conditions:
Hereditary spastic paraplegia 7 (SPG7). Also called: Spastic paraplegia 7; Hereditary spastic paraplegia Paraplegin type; SPASTIC PARAPLEGIA 7, AUTOSOMAL RECESSIVE, WITH OR WITHOUT CEREBELLAR ATAXIA; Autosomal recessive spastic paraplegia type 7; SPG7-related neurologic disorder. Identifiers: Orphanet 99013, MedGen C1846564, MONDO:0011803, OMIM 607259.
Hereditary spastic paraplegia. Also called: Familial spastic paraparesis. Identifiers: Orphanet 685, MedGen C0037773, MONDO:0019064. Disease mechanism: loss of function.

Allele frequency attached by ClinVar (database versions not stated): ExAC 0.00001; gnomAD exomes 0.00002 and 0.00003; gnomAD 0.00003; 1000 Genomes Project 0.00020; 1000 Genomes Project 30x 0.00031.
gnomAD v4.1: 51 of 1,614,112 alleles (0.0032%); highest among the groups gnomAD compares: Middle Eastern, 0.017%; no homozygotes.

Submissions (3):

Labcorp Genetics (formerly Invitae), Labcorp
Classification: Uncertain significance for Hereditary spastic paraplegia 7. Last evaluated: 2022-06-20. Review status: criteria provided, single submitter. Criteria: Invitae Variant Classification Sherloc (09022015). Collection method: clinical testing. Allele origin: germline.
Comment: In summary, the available evidence is currently insufficient to determine the role of this variant in disease. Therefore, it has been classified as a Variant of Uncertain Significance. Algorithms developed to predict the effect of sequence changes on RNA splicing suggest that this variant may create or strengthen a splice site. Algorithms developed to predict the effect of missense changes on protein structure and function are either unavailable or do not agree on the potential impact of this missense change (SIFT: "Deleterious"; PolyPhen-2: "Probably Damaging"; Align-GVGD: "Class C0"). This variant has not been reported in the literature in individuals affected with SPG7-related conditions. This variant is present in population databases (rs201723702, gnomAD 0.02%). This sequence change replaces alanine, which is neutral and non-polar, with valine, which is neutral and non-polar, at codon 293 of the SPG7 protein (p.Ala293Val).

PROSPAX: an integrated multimodal progression  chart in spastic ataxias, Center for Neurology; Hertie-Institute for Clinical Brain Research
Classification: Pathogenic for Hereditary spastic paraplegia 7. Last evaluated: 2022-01-01. Review status: criteria provided, single submitter. Criteria: ACMG Guidelines, 2015. Collection method: research. Allele origin: germline. Affected: yes. Observed: 1 variant allele, 1 compound heterozygote.

Genome Diagnostics Laboratory, The Hospital for Sick Children
Classification: Uncertain significance for Hereditary spastic paraplegia. Last evaluated: 2018-01-01. Review status: criteria provided, single submitter. Criteria: ACMG Guidelines, 2015. Collection method: clinical testing. Allele origin: germline. Affected: yes.

NM_003119.4(SPG7):c.878C>T (p.Ala293Val)

Gene: SPG7 (SPG7 matrix AAA peptidase subunit, paraplegin; plus strand). Cytogenetic location: 16q24.3.
Variant type: single nucleotide variant.
Coding change: c.878C>T on transcript NM_003119.4 (MANE Select); coding-DNA position 878, C replaced by T.
Protein change: p.Ala293Val; replaces alanine 293 with valine.
Molecular consequence: missense variant.
Genome position (GRCh38, 1-based): chr16:89,530,699, C>T. VCF-style: chr16-89530699-C-T. GRCh37 (hg19) VCF-style: chr16-89597107-C-T.
Other names: c.878C>T, p.Ala293Val (NM_001363850.1, NM_199367.3); short protein forms A293V.
Identifiers: ClinVar variation 1344142 (VCV001344142.10), dbSNP rs201723702, ClinGen allele CA8243834.
Genomic context (GRCh38, chr16:89,530,699, plus strand): 5'-TCCTGACTTCGCCCAGCTCCTTGCACTTTGTTCTTTCTGCACAGAATCAGCTTAAAATGG[C>T]TCGTTTCACCATTGTGGATGGGAAGATGGGGAAAGGAGTCAGCTTCAAAGACGTGGCAGG-3'
Protein context (NP_003110.1, residues 283-303): GFSAFNQLKM[Ala293Val]RFTIVDGKMG